The following is an entry in ClinVar:

ClinVar aggregate classification (germline): Uncertain significance (1 of 4 stars; one submission).

Submission:

Ambry Genetics
Classification: Uncertain significance. Last evaluated: 2023-06-01. Review status: criteria provided, single submitter. Criteria: Ambry Variant Classification Scheme 2023. Collection method: clinical testing. Allele origin: germline.
Comment: The p.F956L variant (also known as c.2868T>A), located in coding exon 23 of the BUB1 gene, results from a T to A substitution at nucleotide position 2868. The phenylalanine at codon 956 is replaced by leucine, an amino acid with highly similar properties. This amino acid position is conserved. In addition, the in silico prediction for this alteration is inconclusive. Since supporting evidence is limited at this time, the clinical significance of this alteration remains unclear.

NM_004336.5(BUB1):c.2868T>A (p.Phe956Leu)

Gene: BUB1 (BUB1 mitotic checkpoint serine/threonine kinase; minus strand). Cytogenetic location: 2q13.
Variant type: single nucleotide variant.
Coding change: c.2868T>A on transcript NM_004336.5 (MANE Select); coding-DNA position 2868, T replaced by A.
Protein change: p.Phe956Leu; replaces phenylalanine 956 with leucine.
Molecular consequence: missense variant.
Genome position (GRCh38, 1-based): chr2:110,641,121, A>T on the plus strand (T>A on the coding strand, the complement: BUB1 is on the minus strand). VCF-style: chr2-110641121-A-T. GRCh37 (hg19) VCF-style: chr2-111398698-A-T.
Other names: c.2808T>A, p.Phe936Leu (NM_001278616.2); c.2697T>A, p.Phe899Leu (NM_001278617.2); short protein forms F936L, F956L, F899L.
Identifiers: ClinVar variation 2565823 (VCV002565823.2), dbSNP rs2467970329, ClinGen allele CA348089117.